The following is an entry in ClinVar:

NM_022168.4(IFIH1):c.2657T>C (p.Met886Thr)

Gene: IFIH1 (interferon induced with helicase C domain 1; minus strand). Cytogenetic location: 2q24.2.
Variant type: single nucleotide variant.
Coding change: c.2657T>C on transcript NM_022168.4 (MANE Select); coding-DNA position 2657, T replaced by C.
Protein change: p.Met886Thr; replaces methionine 886 with threonine.
Molecular consequence: missense variant.
Genome position (GRCh38, 1-based): chr2:162,268,237, A>G on the plus strand (T>C on the coding strand, the complement: IFIH1 is on the minus strand). VCF-style: chr2-162268237-A-G. GRCh37 (hg19) VCF-style: chr2-163124747-A-G.
Other names: c.2657T>C, p.Met886Thr (LRG_1235t1); short protein forms M886T.
Identifiers: ClinVar variation 649971 (VCV000649971.6), dbSNP rs748688202, ClinGen allele CA1934103.

ClinVar aggregate classification (germline): Uncertain significance (1 of 4 stars; one submission).

Conditions:
Aicardi-Goutieres syndrome 7 (AGS7). Identifiers: Orphanet 51, MedGen C3888244, MONDO:0014367, OMIM 615846.
Singleton-Merten syndrome 1 (SGMRT1). Also called: Widened medullary cavities of bone, aortic calcification, abnormal dentition, and muscular weakness; Syndrome of widened medullary cavities of the metacarpals and phalanges, aortic calcification and abnormal dentition. Identifiers: Orphanet 85191, MedGen C4225427, MONDO:0024535, OMIM 182250.

Allele frequency attached by ClinVar (database versions not stated): TOPMed 0.00002; gnomAD 0.00003; gnomAD exomes 0.00003 and 0.00005; ExAC 0.00005.

Submission:

Labcorp Genetics (formerly Invitae), Labcorp
Classification: Uncertain significance for Aicardi-Goutieres syndrome 7; Singleton-Merten syndrome 1. Last evaluated: 2023-11-03. Review status: criteria provided, single submitter. Criteria: Invitae Variant Classification Sherloc (09022015). Collection method: clinical testing. Allele origin: germline.
Comment: This sequence change replaces methionine, which is neutral and non-polar, with threonine, which is neutral and polar, at codon 886 of the IFIH1 protein (p.Met886Thr). This variant is present in population databases (rs748688202, gnomAD 0.006%). This variant has not been reported in the literature in individuals affected with IFIH1-related conditions. This missense change has been observed in at least one individual who was not affected with IFIH1-related conditions (Invitae). ClinVar contains an entry for this variant (Variation ID: 649971). Advanced modeling of protein sequence and biophysical properties (such as structural, functional, and spatial information, amino acid conservation, physicochemical variation, residue mobility, and thermodynamic stability) has been performed at Invitae for this missense variant, however the output from this modeling did not meet the statistical confidence thresholds required to predict the impact of this variant on IFIH1 protein function. In summary, the available evidence is currently insufficient to determine the role of this variant in disease. Therefore, it has been classified as a Variant of Uncertain Significance.